The following is an entry in ClinVar:

ClinVar aggregate classification (germline): Uncertain significance (1 of 4 stars; one submission).

Allele frequency attached by ClinVar (database versions not stated): gnomAD exomes 0.00001; ExAC 0.00002; gnomAD 0.00003; TOPMed 0.00003.

Submission:

CeGaT Center for Human Genetics Tuebingen
Classification: Uncertain significance. Last evaluated: 2023-06-01. Review status: criteria provided, single submitter. Criteria: CeGaT Center For Human Genetics Tuebingen Variant Classification Criteria Version 2. Collection method: clinical testing. Allele origin: germline. Affected: yes. Observed: 1 variant allele.
Comment: KIF4A: PM2:Supporting, BP4

NM_012310.5(KIF4A):c.1474G>A (p.Val492Met)

Gene: KIF4A (kinesin family member 4A; plus strand). Cytogenetic location: Xq13.1.
Variant type: single nucleotide variant.
Coding change: c.1474G>A on transcript NM_012310.5 (MANE Select); coding-DNA position 1474, G replaced by A.
Protein change: p.Val492Met; replaces valine 492 with methionine.
Molecular consequence: missense variant.
Genome position (GRCh38, 1-based): chrX:70,352,642, G>A. VCF-style: chrX-70352642-G-A. GRCh37 (hg19) VCF-style: chrX-69572492-G-A.
Other names: short protein forms V492M.
Identifiers: ClinVar variation 2660816 (VCV002660816.24), dbSNP rs762980023, ClinGen allele CA10441137.